The following is an entry in ClinVar:

ClinVar aggregate classification (germline): Pathogenic/Likely pathogenic. Review status: criteria provided, multiple submitters, no conflicts (2 of 4 stars). 7 submissions from 6 submitters: Pathogenic (3); Likely pathogenic (2). 2 of the submissions do not count toward it. Last evaluated 2024-03-21.

Conditions:
Parkinson disease 24, autosomal dominant, susceptibility to. Identifiers: MedGen C5561969, MONDO:0859183, OMIM 619491.
Combined PSAP deficiency (PSAPD). Also called: PROSAPOSIN DEFICIENCY; Encephalopathy due to prosaposin deficiency; COMBINED SAP DEFICIENCY. Identifiers: Orphanet 139406, MedGen C2673635, MONDO:0012719, OMIM 611721.
Sphingolipid activator protein 1 deficiency. Also called: Saposin B Deficiency; Metachromatic leukodystrophy due to saposin B deficiency; METACHROMATIC LEUKODYSTROPHY DUE TO CEREBROSIDE SULFATASE ACTIVATOR DEFICIENCY. Identifiers: Orphanet 512, MedGen C0268262, MONDO:0009590, OMIM 249900.

Allele frequency attached by ClinVar (database versions not stated): gnomAD exomes below 0.00001; TOPMed below 0.00001.
gnomAD v4.1: 2 of 1,612,918 alleles (0.00012%); highest among the groups gnomAD compares: Middle Eastern, 0.017%; no homozygotes.

Submissions (7):

Genomic Medicine Center of Excellence, King Faisal Specialist Hospital and Research Centre
Classification: Likely pathogenic for Parkinson disease 24, autosomal dominant, susceptibility to. Last evaluated: 2024-03-21. Review status: criteria provided, single submitter. Criteria: ACMG Guidelines, 2015. Collection method: clinical testing. Allele origin: germline.

Genomic Medicine Center of Excellence, King Faisal Specialist Hospital and Research Centre
Classification: Likely pathogenic for Sphingolipid activator protein 1 deficiency. Last evaluated: 2024-03-17. Review status: criteria provided, single submitter. Criteria: ACMG Guidelines, 2015. Collection method: research. Allele origin: germline.

Baylor Genetics
Classification: Pathogenic for Combined PSAP deficiency. Last evaluated: 2019-09-19. Review status: criteria provided, single submitter. Criteria: ACMG Guidelines, 2015. Collection method: clinical testing. Allele origin: unknown. Affected: yes.
Comment: This variant was determined to be pathogenic according to ACMG Guidelines, 2015 [PMID:25741868].

Broad Center for Mendelian Genomics, Broad Institute of MIT and Harvard
Classification: Pathogenic for Combined PSAP deficiency. Last evaluated: 2017-06-26. Review status: criteria provided, single submitter. Criteria: ACMG Guidelines, 2015. Collection method: research. Allele origin: germline. Inheritance: Autosomal recessive inheritance. Affected: yes. Observed: 1 variant allele. Study: Broad Institute Center for Mendelian Genomics (CMG).
Comment: PVS1: Homozygous variant reported in 9 patients from 4 Arab families, likely Founder mutation (PMID: 17878207). PM2: Absent from gnomAD.

Pathology and Clinical Laboratory Medicine, King Fahad Medical City
Classification: Pathogenic for Sphingolipid activator protein 1 deficiency. Review status: criteria provided, single submitter. Criteria: ACMG Guidelines, 2015. Collection method: clinical testing. Allele origin: germline. Affected: yes. Observed: 4 variant alleles.
Comment: Enzyme deficiency

Biochemical Molecular Genetic Laboratory, King Abdulaziz Medical City
Classification: Pathogenic for Sphingolipid activator protein 1 deficiency. Last evaluated: 2019-09-26. Review status: no assertion criteria provided. Collection method: clinical testing. Allele origin: germline. Affected: yes. Not counted in ClinVar's aggregate classification.

OMIM
Classification: Pathogenic for METACHROMATIC LEUKODYSTROPHY DUE TO SAPOSIN B DEFICIENCY. Last evaluated: 1991-04-25. Review status: no assertion criteria provided. Collection method: literature only. Allele origin: germline. Not counted in ClinVar's aggregate classification.

Literature cited by the submitters: PubMed 19955343 (cited by Broad Center for Mendelian Genomics, Broad Institute of MIT and Harvard); PubMed 2019586 (cited by OMIM).

NM_002778.4(PSAP):c.722G>C (p.Cys241Ser)

Gene: PSAP (prosaposin; minus strand). Cytogenetic location: 10q22.1.
Variant type: single nucleotide variant.
Coding change: c.722G>C on transcript NM_002778.4 (MANE Select); coding-DNA position 722, G replaced by C.
Protein change: p.Cys241Ser; replaces cysteine 241 with serine.
Molecular consequence: missense variant.
Genome position (GRCh38, 1-based): chr10:71,825,892, C>G on the plus strand (G>C on the coding strand, the complement: PSAP is on the minus strand). VCF-style: chr10-71825892-C-G. GRCh37 (hg19) VCF-style: chr10-73585649-C-G.
Other names: c.722G>C, p.Cys241Ser (NM_001042465.3, NM_001042466.3); short protein forms C241S.
Identifiers: ClinVar variation 13363 (VCV000013363.8), dbSNP rs121918104, ClinGen allele CA123057.